The following is an entry in ClinVar:

NM_000784.4(CYP27A1):c.462G>A (p.Trp154Ter)

Gene: CYP27A1 (cytochrome P450 family 27 subfamily A member 1; plus strand). Cytogenetic location: 2q35.
Variant type: single nucleotide variant.
Coding change: c.462G>A on transcript NM_000784.4 (MANE Select); coding-DNA position 462, G replaced by A.
Protein change: p.Trp154Ter; replaces tryptophan 154 with a stop codon.
Molecular consequence: nonsense.
Genome position (GRCh38, 1-based): chr2:218,812,237, G>A. VCF-style: chr2-218812237-G-A. GRCh37 (hg19) VCF-style: chr2-219676960-G-A.
Other names: short protein forms W154*.
Identifiers: ClinVar variation 5013080 (VCV005013080.1).

ClinVar aggregate classification (germline): Pathogenic (1 of 4 stars; one submission).

Conditions:
Cholestanol storage disease (CTX). Also called: CEREBRAL CHOLESTERINOSIS; CTX: Cerebrotendinous xanthomatosis; Cerebrotendinous Xanthomatosis. Identifiers: Orphanet 909, MedGen C0238052, MONDO:0008948, OMIM 213700.

Submission:

Myriad Genetics, Inc.
Classification: Pathogenic for Cholestanol storage disease. Last evaluated: 2024-05-21. Review status: criteria provided, single submitter. Criteria: Myriad Autosomal Dominant, Autosomal Recessive and X-Linked Classification Criteria (2023). Collection method: clinical testing. Allele origin: unknown.
Comment: NM_000784.3(CYP27A1):c.462G>A(W154*) is expected to be pathogenic in the context of cerebrotendinous xanthomatosis. This variant is predicted to lead to an abnormal or absent protein product due to the creation of a premature termination codon in CYP27A1, a gene where loss-of-function variants are known to be pathogenic. Please note: this variant was assessed in the context of healthy population screening.